The following is an entry in ClinVar:

ClinVar aggregate classification (germline): Benign. Review status: criteria provided, multiple submitters, no conflicts (2 of 4 stars). 6 submissions from 6 submitters: Benign (6). Last evaluated 2026-02-02.

Conditions:
Ehlers-Danlos syndrome, classic type, 1 (EDSCL1). Also called: Ehlers-Danlos syndrome, type 1; Ehlers-Danlos Syndrome, Classic Type, COL5A1-Related; EDS I; EHLERS-DANLOS SYNDROME, GRAVIS TYPE; EHLERS-DANLOS SYNDROME, SEVERE CLASSIC TYPE. Identifiers: MedGen C0268335, MONDO:0019567, OMIM 130000.
Ehlers-Danlos syndrome, classic type, 2 (EDSCL2). Also called: Ehlers-Danlos syndrome type 2 (formerly); Ehlers-Danlos syndrome, type 2; Ehlers-Danlos Syndrome, Classic Type, COL5A2-Related. Identifiers: Orphanet 287, Orphanet 90318, MedGen C0268336, MONDO:0019568, OMIM 130010.

Allele frequency attached by ClinVar (database versions not stated): gnomAD 0.00876; TOPMed 0.01038; ESP Exome Variant Server 0.01053; 1000 Genomes Project 0.01138; 1000 Genomes Project 30x 0.01234.
gnomAD v4.1: 2,798 of 1,612,430 alleles (0.17%); highest among the groups gnomAD compares: African/African-American, 3.3%; 48 homozygotes.

Submissions (6):

Labcorp Genetics (formerly Invitae), Labcorp
Classification: Benign for Ehlers-Danlos syndrome, classic type, 1. Last evaluated: 2026-02-02. Review status: criteria provided, single submitter. Criteria: Invitae Variant Classification Sherloc (09022015). Collection method: clinical testing. Allele origin: germline.

ARUP Laboratories, Molecular Genetics and Genomics, ARUP Laboratories
Classification: Benign for Ehlers-Danlos syndrome, classic type, 2. Last evaluated: 2025-06-25. Review status: criteria provided, single submitter. Criteria: ARUP Molecular Germline Variant Investigation Process 2024. Collection method: clinical testing. Allele origin: germline.

Women's Health and Genetics/Laboratory Corporation of America, LabCorp
Classification: Benign. Last evaluated: 2023-08-24. Review status: criteria provided, single submitter. Criteria: LabCorp Variant Classification Summary - May 2015. Collection method: clinical testing. Allele origin: germline.

GeneDx
Classification: Benign. Last evaluated: 2013-04-01. Review status: criteria provided, single submitter. Criteria: GeneDx Variant Classification (06012015). Collection method: clinical testing. Allele origin: germline. Affected: yes.
Comment: This variant is considered likely benign or benign based on one or more of the following criteria: it is a conservative change, it occurs at a poorly conserved position in the protein, it is predicted to be benign by multiple in silico algorithms, and/or has population frequency not consistent with disease.

Breakthrough Genomics
Classification: Benign. Review status: criteria provided, single submitter. Criteria: ACMG Guidelines, 2015. Collection method: not provided. Allele origin: germline. Inheritance: Autosomal dominant inheritance. Affected: yes.

PreventionGenetics, part of Exact Sciences
Classification: Benign. Review status: criteria provided, single submitter. Criteria: ACMG Guidelines, 2015. Collection method: clinical testing. Allele origin: germline.

NM_000393.5(COL5A2):c.2661+20G>A

Gene: COL5A2 (collagen type V alpha 2 chain; minus strand). Cytogenetic location: 2q32.2.
Variant type: single nucleotide variant.
Coding change: c.2661+20G>A on transcript NM_000393.5 (MANE Select); 20 bases into the intron after coding-DNA position 2661, G replaced by A.
Molecular consequence: intron variant.
Genome position (GRCh38, 1-based): chr2:189,052,891, C>T on the plus strand (G>A on the coding strand, the complement: COL5A2 is on the minus strand). VCF-style: chr2-189052891-C-T. GRCh37 (hg19) VCF-style: chr2-189917617-C-T.
Other names: c.2661+20G>A (NM_000393.4).
Identifiers: ClinVar variation 136947 (VCV000136947.22), dbSNP rs79623676, ClinGen allele CA290383.
Genomic context (GRCh38, chr2:189,052,891, plus strand): 5'-TAGTGAAGCAAAAGAGGCTGAATGTACACTCCAAACATGGGGCACTTGACTCAAGTTATG[C>T]CTTTTTCTTGTTAACTTACATGAGGGCCAGGGGATCCTGCTAAACCTTGTGGTCCAGGAG-3'